The following is an entry in ClinVar:

ClinVar aggregate classification (germline): Uncertain significance (1 of 4 stars; one submission).

Conditions:
Inborn genetic diseases. Identifiers: MedGen C0950123, MeSH D030342.

Submission:

Ambry Genetics
Classification: Uncertain significance for Inborn genetic diseases. Last evaluated: 2025-06-07. Review status: criteria provided, single submitter. Criteria: Ambry Variant Classification Scheme 2023. Collection method: clinical testing. Allele origin: germline.
Comment: The p.E377D variant (also known as c.1131A>T), located in coding exon 13 of the FANCA gene, results from an A to T substitution at nucleotide position 1131. The glutamic acid at codon 377 is replaced by aspartic acid, an amino acid with highly similar properties. This amino acid position is conserved. In addition, this alteration is predicted to be tolerated by in silico analysis. Based on the available evidence, the clinical significance of this variant remains unclear.

NM_000135.4(FANCA):c.1131A>T (p.Glu377Asp)

Gene: FANCA (FA complementation group A; minus strand). Cytogenetic location: 16q24.3.
Variant type: single nucleotide variant.
Coding change: c.1131A>T on transcript NM_000135.4 (MANE Select); coding-DNA position 1131, A replaced by T.
Protein change: p.Glu377Asp; replaces glutamic acid 377 with aspartic acid.
Molecular consequence: missense variant.
Genome position (GRCh38, 1-based): chr16:89,792,021, T>A on the plus strand (A>T on the coding strand, the complement: FANCA is on the minus strand). VCF-style: chr16-89792021-T-A. GRCh37 (hg19) VCF-style: chr16-89858429-T-A.
Other names: c.1131A>T, p.Glu377Asp (NM_001286167.3); short protein forms E377D.
Identifiers: ClinVar variation 4022357 (VCV004022357.1).
Genomic context (GRCh38, chr16:89,792,021, plus strand): 5'-AACCAGGGCAGACACAAAGGAGAGCACTCTCTGCCAGTGAACCTCCTGCGTTTCCAGAAC[T>A]TCTTGCAAATGGCCAACCAACTCCTCTGCACTCAGCATCACAAAGAGCTGAAATAAAAGC-3'
Protein context (NP_000126.2, residues 367-387): SAEELVGHLQ[Glu377Asp]VLETQEVHWQ